The following is an entry in ClinVar:

ClinVar aggregate classification (germline): Pathogenic (1 of 4 stars; one submission).

Conditions:
Noonan syndrome (NS). Also called: Noonan's syndrome. Identifiers: Orphanet 648, MedGen C0028326, MeSH D009634, MONDO:0018997. Disease mechanism: gain of function.

Submission:

Tartaglia Lab, Genetics and Rare Diseases Research Division, Bambino Gesu' Children's Hospital
Classification: Pathogenic for Noonan Syndrome. Last evaluated: 2019-04-01. Review status: criteria provided, single submitter. Criteria: ACMG Guidelines, 2015. Collection method: research. Allele origin: de novo. Affected: yes.
Comment: this is a pathogenic variant associated with Noonan Syndrome

NM_012250.6(RRAS2):c.65_73dup (p.Gly22_Gly24dup)

Genes: RRAS2 (RAS related 2; minus strand), LOC130005368 (ATAC-STARR-seq lymphoblastoid silent region 3172; plus strand). Cytogenetic location: 11p15.2.
Variant type: Duplication.
Coding change: c.65_73dup on transcript NM_012250.6 (MANE Select); coding-DNA positions 65 to 73, 9 bases duplicated (GGGGCGGCG; older notation c.65_73dupGGGGCGGCG).
Protein change: p.Gly22_Gly24dup.
Molecular consequence: inframe insertion. On other transcripts: intron variant (1).
Genome position (GRCh38, 1-based): chr11:14,358,798-14,358,806, CGCCGCCCC duplicated on the plus strand (GGGGCGGCG on the coding strand, the reverse complement: RRAS2 is on the minus strand); duplicating any 9 consecutive bases within chr11:14,358,798-14,358,811 gives the same sequence; the c. name uses the placement nearest the transcript's 3' end. VCF-style (leftmost placement, unchanged base first): chr11-14358797-A-ACGCCGCCCC. GRCh37 (hg19) VCF-style: chr11-14380343-A-ACGCCGCCCC.
Other names: c.3+5585_3+5593dup (NM_001177314.2).
Identifiers: ClinVar variation 626910 (VCV000626910.2), dbSNP rs1591495776, ClinGen allele CA913189120.